The following is an entry in ClinVar:

NC_000018.9:g.(?_56338696)_(56421710_?)del

Gene: MALT1 (MALT1 paracaspase; plus strand). Cytogenetic location: 18q21.32.
Variant type: Deletion.
Identifiers: ClinVar variation 4853019 (VCV004853019.1).

ClinVar aggregate classification (germline): Pathogenic (1 of 4 stars; one submission).

Conditions:
Combined immunodeficiency due to MALT1 deficiency. Also called: Immunodeficiency 12. Identifiers: Orphanet 397964, MedGen C3809583, MONDO:0014197, OMIM 615468.

Submission:

Women's Health and Genetics/Laboratory Corporation of America, LabCorp
Classification: Pathogenic for Combined immunodeficiency due to MALT1 deficiency. Last evaluated: 2026-05-18. Review status: criteria provided, single submitter. Criteria: LabCorp Variant Classification Summary - May 2015. Collection method: clinical testing. Allele origin: germline.
Comment: Variant summary: The variant involves the deletion of exons 1-17 in the MALT1 gene (deletion of entire gene). This deletion includes the entire coding sequence of the gene. As the exact proximal and distal breakpoints are unknown, it may extend beyond the annotated region of the gene to include other flanking genes. Loss-of-function variants in this gene are known to be pathogenic. A presumed nomenclature of c.(?_-180)_(*6636_?)del has been designated for the purposes of this classification. The variant was absent in 21694 control chromosomes (gnomAD SVs). To our knowledge, no occurrence of c.(?_-180)_(*6636_?)del in individuals affected with MALT1-related conditions and no experimental evidence demonstrating its impact on protein function have been reported. No submitters have cited clinical-significance assessments for this variant to ClinVar. Based on the evidence outlined above, the variant was classified as pathogenic.